The following is an entry in ClinVar:

NM_001378609.3(OTOGL):c.6272A>G (p.Glu2091Gly)

Gene: OTOGL (otogelin like; plus strand). Cytogenetic location: 12q21.31.
Variant type: single nucleotide variant.
Coding change: c.6272A>G on transcript NM_001378609.3 (MANE Select); coding-DNA position 6272, A replaced by G.
Protein change: p.Glu2091Gly; replaces glutamic acid 2091 with glycine.
Molecular consequence: missense variant.
Genome position (GRCh38, 1-based): chr12:80,366,578, A>G. VCF-style: chr12-80366578-A-G. GRCh37 (hg19) VCF-style: chr12-80760358-A-G.
Other names: c.6137A>G, p.Glu2046Gly (NM_001368062.3); c.6272A>G, p.Glu2091Gly (NM_001378610.3, NM_173591.7); short protein forms E2046G, E2091G.
Identifiers: ClinVar variation 3901539 (VCV003901539.2).
Genomic context (GRCh38, chr12:80,366,578, plus strand): 5'-TATATATATATATAAAATAAGCTAAATGATAAGTAATAGTAGTATATTTTCAATAGGGAG[A>G]ATTTACTGCAATAGACCATAACTTCCAGAGTGATTGTGGATGCATACAGTATCTCTGTGG-3'
Protein context (NP_001365538.2, residues 2081-2101): NLIMPTCEVG[Glu2091Gly]FTAIDHNFQS

ClinVar aggregate classification (germline): Uncertain significance. Review status: criteria provided, multiple submitters, no conflicts (2 of 4 stars). 2 submissions from 2 submitters: Uncertain significance (2). Last evaluated 2024-12-05.

gnomAD v4.1: 32 of 1,330,192 alleles (0.0024%); highest among the groups gnomAD compares: East Asian, 0.092%; no homozygotes.

Submissions (2):

GeneDx
Classification: Uncertain significance. Last evaluated: 2024-12-05. Review status: criteria provided, single submitter. Criteria: GeneDx Variant Classification Process June 2021. Collection method: clinical testing. Allele origin: germline. Affected: yes.
Comment: In silico analysis supports that this missense variant has a deleterious effect on protein structure/function; Has not been previously published as pathogenic or benign to our knowledge

Blueprint Genetics
Classification: Uncertain significance. Last evaluated: 2022-09-26. Review status: criteria provided, single submitter. Criteria: ACMG Guidelines, 2015. Collection method: clinical testing. Allele origin: germline.